The following is an entry in ClinVar:

NM_000059.4(BRCA2):c.10024G>A (p.Glu3342Lys)

Gene: BRCA2 (BRCA2 DNA repair associated; plus strand). Cytogenetic location: 13q13.1.
Variant type: single nucleotide variant.
Coding change: c.10024G>A on transcript NM_000059.4 (MANE Select); coding-DNA position 10024, G replaced by A.
Protein change: p.Glu3342Lys; replaces glutamic acid 3342 with lysine.
Molecular consequence: missense variant.
Genome position (GRCh38, 1-based): chr13:32,398,537, G>A. VCF-style: chr13-32398537-G-A. GRCh37 (hg19) VCF-style: chr13-32972674-G-A.
Other names: 10252G>A; short protein forms E3342K.
Identifiers: ClinVar variation 37718 (VCV000037718.27), dbSNP rs28897761, ClinGen allele CA010063.

ClinVar aggregate classification (germline): Conflicting classifications of pathogenicity. Review status: criteria provided, conflicting classifications (1 of 4 stars). 8 submissions from 8 submitters: Uncertain significance (3); Likely benign (4). 1 of the submissions does not count toward it. Last evaluated 2025-10-07.

Conditions:
Hereditary cancer-predisposing syndrome. Also called: Neoplastic Syndromes, Hereditary; Hereditary neoplastic syndrome; Tumor predisposition; Hereditary Cancer Syndrome. Identifiers: Orphanet 140162, MedGen C0027672, MeSH D009386, MONDO:0015356.
Hereditary breast ovarian cancer syndrome. Also called: Hereditary breast and/or ovarian cancer syndrome; Breast and ovarian cancer; BRCA1- and BRCA2-Associated Hereditary Breast and Ovarian Cancer; Hereditary breast and ovarian cancer; Hereditary breast and ovarian cancer syndrome; Hereditary breast and ovarian cancer syndrome (HBOC). Identifiers: Orphanet 145, MedGen C0677776, MeSH D061325, MONDO:0003582. Disease mechanism: loss of function.
Breast-ovarian cancer, familial, susceptibility to, 2 (BROVCA2). Also called: BRCA2 Hereditary Breast and Ovarian Cancer. Identifiers: Orphanet 145, MedGen C2675520, MONDO:0012933, OMIM 612555. Disease mechanism: loss of function.

Allele frequency attached by ClinVar (database versions not stated): TOPMed below 0.00001; gnomAD exomes 0.00001.
gnomAD v4.1: 11 of 1,614,040 alleles (0.00068%); highest among the groups gnomAD compares: South Asian, 0.0022%; no homozygotes.

Submissions (8):

Labcorp Genetics (formerly Invitae), Labcorp
Classification: Likely benign for Hereditary breast ovarian cancer syndrome. Last evaluated: 2025-10-07. Review status: criteria provided, single submitter. Criteria: Invitae Variant Classification Sherloc (09022015). Collection method: clinical testing. Allele origin: germline.

Ambry Genetics
Classification: Uncertain significance for Hereditary cancer-predisposing syndrome. Last evaluated: 2025-06-10. Review status: criteria provided, single submitter. Criteria: Ambry Variant Classification Scheme 2023. Collection method: clinical testing. Allele origin: germline.
Comment: The p.E3342K variant (also known as c.10024G>A), located in coding exon 26 of the BRCA2 gene, results from a G to A substitution at nucleotide position 10024. The glutamic acid at codon 3342 is replaced by lysine, an amino acid with similar properties. This alteration was identified in multiple high-risk breast and/or ovarian cancer families (Azzollini J et al. Eur J Intern Med, 2016 Jul;32:65-71; Foglietta J et al. Genes (Basel), 2020 08;11:). This variant was also reported in 0/60,466 breast cancer cases and in 2/53,461 controls (Dorling et al. N Engl J Med. 2021 02;384:428-439). This amino acid position is highly conserved in available vertebrate species. In addition, this alteration is predicted to be tolerated by in silico analysis. Based on the available evidence, the clinical significance of this variant remains unclear.

Women's Health and Genetics/Laboratory Corporation of America, LabCorp
Classification: Uncertain significance. Last evaluated: 2024-02-26. Review status: criteria provided, single submitter. Criteria: LabCorp Variant Classification Summary - May 2015. Collection method: clinical testing. Allele origin: germline.
Comment: Variant summary: BRCA2 c.10024G>A (p.Glu3342Lys) results in a conservative amino acid change in the encoded protein sequence. Three of five in-silico tools predict a damaging effect of the variant on protein function. The variant allele was found at a frequency of 8e-06 in 250966 control chromosomes. The available data on variant occurrences in the general population are insufficient to allow any conclusion about variant significance. c.10024G>A has been reported in the literature in individuals affected with breast and/or ovarian cancer (examples: Alsop_2012, Azzollini_2016, Santonocito_2020, and Foglietta_2020). However, these reports do not provide unequivocal conclusions about association of the variant with Hereditary Breast and Ovarian Cancer. One publication reports that this variant was found to co-occur with a pathogenic change but did not specify the pathogenic variant (Alsop_2012). To our knowledge, no experimental evidence demonstrating an impact on protein function has been reported. The following publications have been ascertained in the context of this evaluation (PMID: 22711857, 27062684, 32980867, 25583476, 25859162, 32806537, 32438681, 33054725). ClinVar contains an entry for this variant (Variation ID: 37718). Based on the evidence outlined above, the variant was classified as uncertain significance.

All of Us Research Program, National Institutes of Health
Classification: Likely benign for Breast-ovarian cancer, familial, susceptibility to, 2. Last evaluated: 2023-10-02. Review status: criteria provided, single submitter. Criteria: ACMG Guidelines, 2015. Collection method: clinical testing. Allele origin: germline. Inheritance: Autosomal dominant inheritance. Observed: 2 variant alleles, 2 heterozygotes.
Comment: This study involves interpretation of variants in research participants for the purpose of population health screening. Participant phenotype was not available at the time of variant classification. Additional details can be found in publication PMID: 35346344, PMCID: PMC8962531

Blueprint Genetics
Classification: Uncertain significance. Last evaluated: 2022-09-06. Review status: criteria provided, single submitter. Criteria: ACMG Guidelines, 2015. Collection method: clinical testing. Allele origin: germline.

GeneDx
Classification: Likely benign. Last evaluated: 2019-09-10. Review status: criteria provided, single submitter. Criteria: GeneDx Variant Classification Process June 2021. Collection method: clinical testing. Allele origin: germline. Affected: yes.
Comment: This variant is associated with the following publications: (PMID: 17088437, 25859162, 23856246, 25583476, 18724707, 26460009, 27062684)

Color Diagnostics, LLC DBA Color Health
Classification: Likely benign for Hereditary cancer-predisposing syndrome. Last evaluated: 2018-01-03. Review status: criteria provided, single submitter. Criteria: ACMG Guidelines, 2015. Collection method: clinical testing. Allele origin: germline.

Sharing Clinical Reports Project (SCRP)
Classification: Likely benign for Breast-ovarian cancer, familial 2. Last evaluated: 2009-04-15. Review status: no assertion criteria provided. Collection method: clinical testing. Allele origin: germline. Not counted in ClinVar's aggregate classification.

Literature cited by the submitters: PubMed 27062684 (cited by Ambry Genetics and Women's Health and Genetics/Laboratory Corporation of America, LabCorp); PubMed 32806537 (cited by Ambry Genetics and Women's Health and Genetics/Laboratory Corporation of America, LabCorp); PubMed 33471991 (cited by Ambry Genetics); PubMed 22711857 (cited by Women's Health and Genetics/Laboratory Corporation of America, LabCorp); PubMed 25583476 (cited by Women's Health and Genetics/Laboratory Corporation of America, LabCorp); PubMed 25859162 (cited by Women's Health and Genetics/Laboratory Corporation of America, LabCorp); PubMed 32438681 (cited by Women's Health and Genetics/Laboratory Corporation of America, LabCorp); PubMed 32980867 (cited by Women's Health and Genetics/Laboratory Corporation of America, LabCorp); PubMed 33054725 (cited by Women's Health and Genetics/Laboratory Corporation of America, LabCorp).